The following is an entry in ClinVar:

NM_001267550.2(TTN):c.107721C>A (p.Ser35907Arg)

Genes: TTN (titin; minus strand), TTN-AS1 (TTN antisense RNA 1; plus strand). Cytogenetic location: 2q31.2.
Variant type: single nucleotide variant.
Coding change: c.107721C>A on transcript NM_001267550.2 (MANE Select); coding-DNA position 107721, C replaced by A.
Protein change: p.Ser35907Arg; replaces serine 35907 with arginine.
Molecular consequence: missense variant.
Genome position (GRCh38, 1-based): chr2:178,527,267, G>T on the plus strand (C>A on the coding strand, the complement: TTN is on the minus strand). VCF-style: chr2-178527267-G-T. GRCh37 (hg19) VCF-style: chr2-179391994-G-T.
Other names: c.102798C>A, p.Ser34266Arg (NM_001256850.1); c.80526C>A, p.Ser26842Arg (NM_003319.4); c.100017C>A, p.Ser33339Arg (NM_133378.4); c.80901C>A, p.Ser26967Arg (NM_133432.3); c.81102C>A, p.Ser27034Arg (NM_133437.4); short protein forms S26842R, S33339R, S27034R, S35907R, S26967R, S34266R.
Identifiers: ClinVar variation 915799 (VCV000915799.8), dbSNP rs977991321, ClinGen allele CA60948955.
Genomic context (GRCh38, chr2:178,527,267, plus strand): 5'-TTCTGGGGTAGGCTCACCCGTGAAAGCACAGGCTACTGTTAGAACTTTGCCTTCATCAAT[G>T]CTGATATCAGATGGAAGAGCTTCAATTTTAGGCGGAATTCCTTTATGGAACAATGACAAA-3'
Protein context (NP_001254479.2, residues 35897-35917): PKIEALPSDI[Ser35907Arg]IDEGKVLTVA

ClinVar aggregate classification (germline): Uncertain significance. Review status: criteria provided, multiple submitters, no conflicts (2 of 4 stars). 2 submissions from 2 submitters: Uncertain significance (2). Last evaluated 2020-12-03.

Conditions:
Autosomal recessive limb-girdle muscular dystrophy type 2J (LGMDR10). Also called: Limb-girdle muscular dystrophy, type 2J; MUSCULAR DYSTROPHY, LIMB-GIRDLE, AUTOSOMAL RECESSIVE 10. Identifiers: Orphanet 140922, MedGen C1837342, MONDO:0012127, OMIM 608807.
Dilated cardiomyopathy 1G (CMD1G). Identifiers: Orphanet 154, MedGen C1858763, MONDO:0011400, OMIM 604145.
Cardiomyopathy (CMYO). Also called: Cardiomyopathies. Identifiers: Orphanet 167848, MedGen C0878544, MONDO:0004994, HP:0001638. Inheritance: Various modes of inheritance.

Allele frequency attached by ClinVar (database versions not stated): gnomAD exomes below 0.00001 and 0.00001; gnomAD 0.00001.
gnomAD v4.1: 15 of 1,608,426 alleles (0.00093%); highest among the groups gnomAD compares: Non-Finnish European, 0.0012%; no homozygotes.

Submissions (2):

Labcorp Genetics (formerly Invitae), Labcorp
Classification: Uncertain significance for Dilated cardiomyopathy 1G; Autosomal recessive limb-girdle muscular dystrophy type 2J. Last evaluated: 2020-12-03. Review status: criteria provided, single submitter. Criteria: Invitae Variant Classification Sherloc (09022015). Collection method: clinical testing. Allele origin: germline.
Comment: In summary, the available evidence is currently insufficient to determine the role of this variant in disease. Therefore, it has been classified as a Variant of Uncertain Significance. Algorithms developed to predict the effect of missense changes on protein structure and function are unavailable for the TTN gene. This sequence change replaces serine with arginine at codon 35907 of the TTN protein (p.Ser35907Arg). There is a moderate physicochemical difference between serine and arginine. This variant is not present in population databases (ExAC no frequency). This variant has not been reported in the literature in individuals with TTN-related conditions. ClinVar contains an entry for this variant (Variation ID: 915799). This variant is located in the M band of TTN (PMID: 25589632). Variants in this region may be relevant for neuromuscular disorders, but have not been definitively shown to cause cardiomyopathy (PMID: 23975875).

CHEO Genetics Diagnostic Laboratory, Children's Hospital of Eastern Ontario
Classification: Uncertain significance for Cardiomyopathy. Last evaluated: 2018-02-01. Review status: criteria provided, single submitter. Criteria: ACMG Guidelines, 2015. Collection method: clinical testing. Allele origin: germline.

Literature cited by the submitters: PubMed 25589632 (cited by Labcorp Genetics (formerly Invitae), Labcorp); PubMed 23975875 (cited by Labcorp Genetics (formerly Invitae), Labcorp).